The following is an entry in ClinVar:

NM_001122659.3(EDNRB):c.956G>A (p.Arg319Gln)

Genes: EDNRB (endothelin receptor type B; minus strand), EDNRB-AS1 (EDNRB antisense RNA 1; plus strand). Cytogenetic location: 13q22.3.
Variant type: single nucleotide variant.
Coding change: c.956G>A on transcript NM_001122659.3 (MANE Select); coding-DNA position 956, G replaced by A.
Protein change: p.Arg319Gln; replaces arginine 319 with glutamine.
Molecular consequence: missense variant.
Genome position (GRCh38, 1-based): chr13:77,900,650, C>T on the plus strand (G>A on the coding strand, the complement: EDNRB is on the minus strand). VCF-style: chr13-77900650-C-T. GRCh37 (hg19) VCF-style: chr13-78474785-C-T.
Other names: c.956G>A, p.Arg319Gln (NM_000115.5, NM_003991.4); c.1226G>A, p.Arg409Gln (NM_001201397.2); c.956G>A (NM_000115.4); short protein forms R409Q, R319Q.
Identifiers: ClinVar variation 4750504 (VCV004750504.2).

ClinVar aggregate classification (germline): Uncertain significance. Review status: criteria provided, multiple submitters, no conflicts (2 of 4 stars). 2 submissions from 2 submitters: Uncertain significance (2). Last evaluated 2026-02-22.

Conditions:
EDNRB-related disorder. Also called: EDNRB-related disorders; EDNRB-related condition.

gnomAD v4.1: 9 of 1,612,132 alleles (0.00056%); highest among the groups gnomAD compares: South Asian, 0.0033%; no homozygotes.

Submissions (2):

PreventionGenetics, part of Exact Sciences
Classification: Uncertain significance for EDNRB-related condition. Last evaluated: 2026-02-22. Review status: criteria provided, single submitter. Criteria: ACMG Guidelines, 2015. Collection method: clinical testing. Allele origin: germline.
Comment: The EDNRB c.956G>A variant is predicted to result in the amino acid substitution p.Arg319Gln. To our knowledge, this variant has not been reported in the literature. This variant is reported in 0.0065% of alleles in individuals of South Asian descent in gnomAD. At this time, the clinical significance of this variant is uncertain due to the absence of conclusive functional and genetic evidence.

Labcorp Genetics (formerly Invitae), Labcorp
Classification: Uncertain significance. Last evaluated: 2025-04-27. Review status: criteria provided, single submitter. Criteria: Invitae Variant Classification Sherloc (09022015). Collection method: clinical testing. Allele origin: germline.
Comment: This sequence change replaces arginine, which is basic and polar, with glutamine, which is neutral and polar, at codon 319 of the EDNRB protein (p.Arg319Gln). This variant is present in population databases (rs759543922, gnomAD 0.006%). This variant has not been reported in the literature in individuals affected with EDNRB-related conditions. Invitae Evidence Modeling of protein sequence and biophysical properties (such as structural, functional, and spatial information, amino acid conservation, physicochemical variation, residue mobility, and thermodynamic stability) indicates that this missense variant is not expected to disrupt EDNRB protein function with a negative predictive value of 80%. In summary, the available evidence is currently insufficient to determine the role of this variant in disease. Therefore, it has been classified as a Variant of Uncertain Significance.